The following is an entry in ClinVar:

NM_004959.5(NR5A1):c.140A>G (p.Tyr47Cys)

Gene: NR5A1 (nuclear receptor subfamily 5 group A member 1; minus strand). Cytogenetic location: 9q33.3.
Variant type: single nucleotide variant.
Coding change: c.140A>G on transcript NM_004959.5 (MANE Select); coding-DNA position 140, A replaced by G.
Protein change: p.Tyr47Cys; replaces tyrosine 47 with cysteine.
Molecular consequence: missense variant.
Genome position (GRCh38, 1-based): chr9:124,503,183, T>C on the plus strand (A>G on the coding strand, the complement: NR5A1 is on the minus strand). VCF-style: chr9-124503183-T-C. GRCh37 (hg19) VCF-style: chr9-127265462-T-C.
Other names: short protein forms Y47C.
Identifiers: ClinVar variation 1338783 (VCV001338783.1), dbSNP rs2131289790, ClinGen allele CA374890511.
Genomic context (GRCh38, chr9:124,503,183, plus strand): 5'-AAGGGACAGCGCTTGCGCTGCGTCTTGTCGATCTTGCAGCTCTGGCTCTCGGTGCACGTG[T>C]AGTGCTTGTTGTTCTGCACCGTGCGCTTGAAGAAGCCCTGCGGGAGCTGAGAGTCAGCGA-3'
Protein context (NP_004950.2, residues 37-57): FKRTVQNNKH[Tyr47Cys]TCTESQSCKI

ClinVar aggregate classification (germline): Likely pathogenic (1 of 4 stars; one submission).

Conditions:
46,XY sex reversal 3. Also called: NR5A1-related 46,XY complete gonadal dysgenesis; 46,XY SEX REVERSAL, PARTIAL OR COMPLETE, NR5A1-RELATED; 46,XY GONADAL DYSGENESIS, PARTIAL OR COMPLETE, WITH OR WITHOUT ADRENAL FAILURE; DISORDER OF SEX DEVELOPMENT, 46,XY, NR5A1-RELATED; SEX REVERSAL, XY, WITH OR WITHOUT ADRENAL FAILURE. Identifiers: MedGen C3489793, MONDO:0013066, OMIM 612965.

Submission:

Institute of Human Genetics, University of Leipzig Medical Center
Classification: Likely pathogenic for 46,XY sex reversal 3. Last evaluated: 2022-01-06. Review status: criteria provided, single submitter. Criteria: ACMG Guidelines, 2015. Collection method: clinical testing. Allele origin: unknown. Affected: yes.
Comment: Criteria applied: PS2_MOD, PM1, PS3_SUP, PS4_SUP, PM2_SUP, PP3